The following is an entry in ClinVar:

ClinVar aggregate classification (germline): Uncertain significance. Review status: criteria provided, multiple submitters, no conflicts (2 of 4 stars). 2 submissions from 2 submitters: Uncertain significance (2). Last evaluated 2022-08-16.

Conditions:
Atrial fibrillation, familial, 7 (ATFB7). Identifiers: MedGen C2677106, MONDO:0012828, OMIM 612240.

Submissions (2):

Labcorp Genetics (formerly Invitae), Labcorp
Classification: Uncertain significance for Atrial fibrillation, familial, 7. Last evaluated: 2022-08-16. Review status: criteria provided, single submitter. Criteria: Invitae Variant Classification Sherloc (09022015). Collection method: clinical testing. Allele origin: germline.
Comment: In summary, the available evidence is currently insufficient to determine the role of this variant in disease. Therefore, it has been classified as a Variant of Uncertain Significance. Experimental studies and prediction algorithms are not available or were not evaluated, and the functional significance of this variant is currently unknown. ClinVar contains an entry for this variant (Variation ID: 469600). This variant has not been reported in the literature in individuals affected with KCNA5-related conditions. This variant is not present in population databases (gnomAD no frequency). This variant, c.852_869del, results in the deletion of 6 amino acid(s) of the KCNA5 protein (p.His284_His289del), but otherwise preserves the integrity of the reading frame.

Stanford Center for Inherited Cardiovascular Disease, Stanford University
Classification: Uncertain significance. Last evaluated: 2017-08-02. Review status: criteria provided, single submitter. Criteria: ACMG Guidelines, 2015. Collection method: provider interpretation. Allele origin: germline.

NM_002234.4(KCNA5):c.852_869del (p.His284_His289del)

Gene: KCNA5 (potassium voltage-gated channel subfamily A member 5; plus strand). Cytogenetic location: 12p13.32.
Variant type: Deletion.
Coding change: c.852_869del on transcript NM_002234.4 (MANE Select); coding-DNA positions 852 to 869, 18 bases deleted (CCCTCCGGCGCCCCACCA).
Protein change: p.His284_His289del.
Molecular consequence: inframe deletion.
Genome position (GRCh38, 1-based): chr12:5,044,999-5,045,016, CCCTCCGGCGCCCCACCA deleted; deleting any 18 consecutive bases within chr12:5,044,996-5,045,016 gives the same sequence; the c. name uses the placement nearest the transcript's 3' end. VCF-style (leftmost placement, unchanged base first): chr12-5044995-GCCACCCTCCGGCGCCCCA-G. GRCh37 (hg19) VCF-style: chr12-5154161-GCCACCCTCCGGCGCCCCA-G.
Identifiers: ClinVar variation 469600 (VCV000469600.11), dbSNP rs749443875, ClinGen allele CA6399732.
Genomic context (GRCh38, chr12:5,044,995, plus strand): 5'-CCATCATCACCTTCTGCTTGGAGACCCTGCCTGAGTTCAGGGATGAACGTGAGCTGCTCC[GCCACCCTCCGGCGCCCCA>G]CCAGCCTCCCGCGCCCGCCCCTGGGGCCAACGGCAGCGGGGTCATGGCCCCGCCCTCTGG-3'